The following is an entry in ClinVar:

NM_001378454.1(ALMS1):c.11683G>A (p.Val3895Met)

Gene: ALMS1 (ALMS1 centrosome and basal body associated protein; plus strand). Cytogenetic location: 2p13.1.
Variant type: single nucleotide variant.
Coding change: c.11683G>A on transcript NM_001378454.1 (MANE Select); coding-DNA position 11683, G replaced by A.
Protein change: p.Val3895Met; replaces valine 3895 with methionine.
Molecular consequence: missense variant.
Genome position (GRCh38, 1-based): chr2:73,600,692, G>A. VCF-style: chr2-73600692-G-A. GRCh37 (hg19) VCF-style: chr2-73827819-G-A.
Other names: c.11686G>A, p.Val3896Met (NM_015120.4); short protein forms V3895M, V3896M.
Identifiers: ClinVar variation 2634032 (VCV002634032.1), dbSNP rs766559483, ClinGen allele CA1715289.

ClinVar aggregate classification (germline): Uncertain significance (1 of 4 stars; one submission).

Conditions:
ALMS1-related disorder. Also called: ALMS1-related condition.

Allele frequency attached by ClinVar (database versions not stated): gnomAD exomes below 0.00001; ExAC 0.00001.
gnomAD v4.1: 1 of 1,613,670 alleles (0.000062%); highest among the groups gnomAD compares: South Asian, 0.0011%; no homozygotes.

Submission:

PreventionGenetics, part of Exact Sciences
Classification: Uncertain significance for ALMS1-related condition. Last evaluated: 2023-02-15. Review status: criteria provided, single submitter. Criteria: ACMG Guidelines, 2015. Collection method: clinical testing. Allele origin: germline.
Comment: The ALMS1 c.11686G>A variant is predicted to result in the amino acid substitution p.Gly3896Ser. To our knowledge, this variant has not been reported in the literature. This variant is reported in 0.045% of alleles in individuals of African descent in gnomAD. At this time, the clinical significance of this variant is uncertain due to the absence of conclusive functional and genetic evidence.